The following is an entry in ClinVar:

NM_000264.5(PTCH1):c.3023G>C (p.Ser1008Thr)

Gene: PTCH1 (patched 1; minus strand). Cytogenetic location: 9q22.32.
Variant type: single nucleotide variant.
Coding change: c.3023G>C on transcript NM_000264.5 (MANE Select); coding-DNA position 3023, G replaced by C.
Protein change: p.Ser1008Thr; replaces serine 1008 with threonine.
Molecular consequence: missense variant. On other transcripts: non-coding transcript variant (1).
Genome position (GRCh38, 1-based): chr9:95,458,158, C>G on the plus strand (G>C on the coding strand, the complement: PTCH1 is on the minus strand). VCF-style: chr9-95458158-C-G. GRCh37 (hg19) VCF-style: chr9-98220440-C-G.
Other names: c.2825G>C, p.Ser942Thr (NM_001083602.3); c.3020G>C, p.Ser1007Thr (NM_001083603.3); c.2570G>C, p.Ser857Thr (NM_001083604.3, NM_001083605.3, NM_001083606.3 and 1 more transcripts); c.2867G>C, p.Ser956Thr (NM_001354918.2); short protein forms S1007T, S1008T, S857T, S942T, S956T.
Identifiers: ClinVar variation 4862680 (VCV004862680.1).

ClinVar aggregate classification (germline): Uncertain significance (1 of 4 stars; one submission).

Conditions:
Hereditary cancer-predisposing syndrome. Also called: Neoplastic Syndromes, Hereditary; Tumor predisposition; Hereditary Cancer Syndrome; Hereditary neoplastic syndrome. Identifiers: Orphanet 140162, MedGen C0027672, MeSH D009386, MONDO:0015356.

gnomAD v4.1: 1 of 1,614,242 alleles (0.000062%); highest among the groups gnomAD compares: Non-Finnish European, 0.000085%; no homozygotes.

Submission:

Ambry Genetics
Classification: Uncertain significance for Hereditary cancer-predisposing syndrome. Last evaluated: 2026-04-22. Review status: criteria provided, single submitter. Criteria: Ambry Variant Classification Scheme 2023. Collection method: clinical testing. Allele origin: germline.
Comment: The p.S1008T variant (also known as c.3023G>C), located in coding exon 18 of the PTCH1 gene, results from a G to C substitution at nucleotide position 3023. The serine at codon 1008 is replaced by threonine, an amino acid with similar properties. This amino acid position is conserved. In addition, the in silico prediction for this alteration is inconclusive. Based on the available evidence, the clinical significance of this variant remains unclear.